The following is an entry in ClinVar:

ClinVar aggregate classification (germline): Uncertain significance (1 of 4 stars; one submission).

Conditions:
Fibrous dysplasia of jaw (CRBM). Also called: Cherubism. Identifiers: Orphanet 184, MedGen C0008029, MONDO:0007315, OMIM 118400.

Allele frequency attached by ClinVar (database versions not stated): gnomAD exomes below 0.00001 and 0.00003; gnomAD 0.00001; TOPMed 0.00002; ExAC 0.00006.
gnomAD v4.1: 8 of 1,568,812 alleles (0.00051%); highest among the groups gnomAD compares: Admixed American, 0.013%; no homozygotes.

Submissions (2):

Labcorp Genetics (formerly Invitae), Labcorp
Classification: Uncertain significance for Fibrous dysplasia of jaw. Last evaluated: 2025-12-22. Review status: criteria provided, single submitter. Criteria: Invitae Variant Classification Sherloc (09022015). Collection method: clinical testing. Allele origin: germline.
Comment: This sequence change falls in intron 7 of the SH3BP2 gene. It does not directly change the encoded amino acid sequence of the SH3BP2 protein. It affects a nucleotide within the consensus splice site. This variant is present in population databases (rs758216830, gnomAD 0.03%). This variant has not been reported in the literature in individuals affected with SH3BP2-related conditions. ClinVar contains an entry for this variant (Variation ID: 1004411). Variants that disrupt the consensus splice site are a relatively common cause of aberrant splicing (PMID: 17576681, 9536098). Algorithms developed to predict the effect of sequence changes on RNA splicing suggest that this variant may disrupt the consensus splice site. In summary, the available evidence is currently insufficient to determine the role of this variant in disease. Therefore, it has been classified as a Variant of Uncertain Significance.

Dr. Peter K. Rogan Lab, Western University
No classification provided (evidence only). Condition: Cervical cancer. Review status: no classification provided. Collection method: in vitro. Allele origin: not applicable. Functional consequence: retained intron. Not counted in ClinVar's aggregate classification.

Literature cited by the submitters: PubMed 17576681 (cited by Labcorp Genetics (formerly Invitae), Labcorp); PubMed 9536098 (cited by Labcorp Genetics (formerly Invitae), Labcorp).

NM_001122681.2(SH3BP2):c.586+5G>T

Gene: SH3BP2 (SH3 domain binding protein 2; plus strand). Cytogenetic location: 4p16.3.
Variant type: single nucleotide variant.
Coding change: c.586+5G>T on transcript NM_001122681.2 (MANE Select); 5 bases into the intron after coding-DNA position 586, G replaced by T.
Molecular consequence: intron variant.
Genome position (GRCh38, 1-based): chr4:2,827,679, G>T. VCF-style: chr4-2827679-G-T. GRCh37 (hg19) VCF-style: chr4-2829406-G-T.
Other names: c.670+5G>T (NM_001145855.2); c.757+5G>T (NM_001145856.2); c.586+5G>T (NM_003023.4).
Identifiers: ClinVar variation 1004411 (VCV001004411.7), dbSNP rs758216830, ClinGen allele CA2819249.